The following is an entry in ClinVar:

ClinVar aggregate classification (germline): Pathogenic (1 of 4 stars; one submission).

Conditions:
Tuberous sclerosis 1 (TSC1). Identifiers: Orphanet 805, MedGen C1854465, MONDO:0008612, OMIM 191100.

Submission:

Labcorp Genetics (formerly Invitae), Labcorp
Classification: Pathogenic for Tuberous sclerosis 1. Last evaluated: 2017-12-10. Review status: criteria provided, single submitter. Criteria: Invitae Variant Classification Sherloc (09022015). Collection method: clinical testing. Allele origin: germline.
Comment: For these reasons, this variant has been classified as Pathogenic. Loss-of-function variants in TSC1 are known to be pathogenic (PMID: 10227394, 17304050). This variant has not been reported in the literature in individuals with TSC1-related disease. This variant is not present in population databases (ExAC no frequency). This sequence change creates a premature translational stop signal (p.Pro358Leufs*82) in the TSC1 gene. It is expected to result in an absent or disrupted protein product.

Literature cited by the submitters: PubMed 10227394; PubMed 17304050.

NM_000368.5(TSC1):c.1073del (p.Pro358fs)

Gene: TSC1 (TSC complex subunit 1; minus strand). Cytogenetic location: 9q34.13.
Variant type: Deletion.
Coding change: c.1073del on transcript NM_000368.5 (MANE Select); coding-DNA position 1073, one base deleted (C; older notation c.1073delC).
Protein change: p.Pro358fs; shifts the reading frame from proline 358.
Molecular consequence: frameshift variant.
Genome position (GRCh38, 1-based): chr9:132,911,070, G deleted on the plus strand (C on the coding strand, the reverse complement: TSC1 is on the minus strand); the first of 2 consecutive G bases (chr9:132,911,070-132,911,071); deleting either gives the same sequence. VCF-style (leftmost placement, unchanged base first): chr9-132911069-AG-A. GRCh37 (hg19) VCF-style: chr9-135786456-AG-A.
Other names: c.1073delC (NM_000368.4); c.1073del, p.Pro358fs (NM_001162426.2); c.920del, p.Pro307fs (NM_001162427.2); c.710del, p.Pro237fs (NM_001362177.2); short protein forms P307fs, P358fs, P237fs.
Identifiers: ClinVar variation 534408 (VCV000534408.7), dbSNP rs1554817259, ClinGen allele CA658797329.
Genomic context (GRCh38, chr9:132,911,069, plus strand): 5'-ACCAAAGACTTTACTGTAAGGGTGTGACAGATCAGGTGGGACATTTCCAGGAGAAGTTGG[AG>A]GAGTGGTCATACCACAAACCATAGATGGGCTCCAAAGAGTAGCCTGGGAAGTTAATAAAG-3'